The following is an entry in ClinVar:

NM_001080466.2(BTBD17):c.681A>G (p.Glu227=)

Gene: BTBD17 (BTB domain containing 17; minus strand). Cytogenetic location: 17q25.1.
Variant type: single nucleotide variant.
Coding change: c.681A>G on transcript NM_001080466.2 (MANE Select); coding-DNA position 681, A replaced by G.
Protein change: p.Glu227=; no amino-acid change (glutamic acid 227 retained).
Molecular consequence: synonymous variant.
Genome position (GRCh38, 1-based): chr17:74,357,413, T>C on the plus strand (A>G on the coding strand, the complement: BTBD17 is on the minus strand). VCF-style: chr17-74357413-T-C. GRCh37 (hg19) VCF-style: chr17-72353552-T-C.
Identifiers: ClinVar variation 3250586 (VCV003250586.18), dbSNP rs2509858626.

ClinVar aggregate classification (germline): Likely benign (1 of 4 stars; one submission).

Allele frequency attached by ClinVar (database versions not stated): gnomAD exomes below 0.00001.

Submission:

CeGaT Center for Human Genetics Tuebingen
Classification: Likely benign. Last evaluated: 2026-08-01. Review status: criteria provided, single submitter. Criteria: CeGaT Center For Human Genetics Tuebingen Variant Classification Criteria Version 2. Collection method: clinical testing. Allele origin: germline. Affected: yes. Observed: 4 variant alleles.
Comment: BTBD17: BP4, BP7